The following is an entry in ClinVar:

ClinVar aggregate classification (germline): Benign (1 of 4 stars; one submission).

Conditions:
Brachydactyly. Also called: Brachydactyly (disease); Brachydactyly syndrome. Identifiers: MedGen C0221357, MONDO:0021004, HP:0001156.

Allele frequency attached by ClinVar (database versions not stated): gnomAD 0.00020 and 0.00026; TOPMed 0.00028; 1000 Genomes Project 30x 0.00172; 1000 Genomes Project 0.00200.

Submission:

Illumina Laboratory Services, Illumina
Classification: Benign for Brachydactyly. Last evaluated: 2018-01-13. Review status: criteria provided, single submitter. Criteria: ICSL Variant Classification Criteria 13 December 2019. Collection method: clinical testing. Allele origin: germline.
Comment: This variant was observed in the ICSL laboratory as part of a predisposition screen in an ostensibly healthy population. It had not been previously curated by ICSL or reported in the Human Gene Mutation Database (HGMD: prior to June 1st, 2018), and was therefore a candidate for classification through an automated scoring system. Utilizing variant allele frequency, disease prevalence and penetrance estimates, and inheritance mode, an automated score was calculated to assess if this variant is too frequent to cause the disease. Based on the score and internal cut-off values, a variant classified as benign is not then subjected to further curation. The score for this variant resulted in a classification of benign for this disease.

NM_001203.3(BMPR1B):c.*1660T>A

Gene: BMPR1B (bone morphogenetic protein receptor type 1B; plus strand). Cytogenetic location: 4q22.3.
Variant type: single nucleotide variant.
Coding change: c.*1660T>A on transcript NM_001203.3 (MANE Select); 1660 bases downstream of the stop codon, T replaced by A.
Molecular consequence: 3 prime UTR variant.
Genome position (GRCh38, 1-based): chr4:95,156,333, T>A. VCF-style: chr4-95156333-T-A. GRCh37 (hg19) VCF-style: chr4-96077484-T-A.
Other names: c.*1660T>A (NM_001256792.2, NM_001256793.2, NM_001256794.1).
Identifiers: ClinVar variation 906725 (VCV000906725.4), dbSNP rs570367865, ClinGen allele CA101683049.